The following is an entry in ClinVar:

ClinVar aggregate classification (germline): Uncertain significance (1 of 4 stars; one submission).

Conditions:
Hereditary cancer-predisposing syndrome. Also called: Neoplastic Syndromes, Hereditary; Tumor predisposition; Hereditary Cancer Syndrome; Hereditary neoplastic syndrome. Identifiers: Orphanet 140162, MedGen C0027672, MeSH D009386, MONDO:0015356.

Submission:

Ambry Genetics
Classification: Uncertain significance for Hereditary cancer-predisposing syndrome. Last evaluated: 2026-02-24. Review status: criteria provided, single submitter. Criteria: Ambry Variant Classification Scheme 2023. Collection method: clinical testing. Allele origin: germline.
Comment: The p.L1671P variant (also known as c.5012T>C), located in coding exon 38 of the POLE gene, results from a T to C substitution at nucleotide position 5012. The leucine at codon 1671 is replaced by proline, an amino acid with similar properties. This amino acid position is highly conserved in available vertebrate species. In addition, this alteration is predicted to be deleterious by in silico analysis. Based on the available evidence, the clinical significance of this variant remains unclear.

NM_006231.4(POLE):c.5012T>C (p.Leu1671Pro)

Gene: POLE (DNA polymerase epsilon, catalytic subunit; minus strand). Cytogenetic location: 12q24.33.
Variant type: single nucleotide variant.
Coding change: c.5012T>C on transcript NM_006231.4 (MANE Select); coding-DNA position 5012, T replaced by C.
Protein change: p.Leu1671Pro; replaces leucine 1671 with proline.
Molecular consequence: missense variant.
Genome position (GRCh38, 1-based): chr12:132,642,338, A>G on the plus strand (T>C on the coding strand, the complement: POLE is on the minus strand). VCF-style: chr12-132642338-A-G. GRCh37 (hg19) VCF-style: chr12-133218924-A-G.
Other names: short protein forms L1671P.
Identifiers: ClinVar variation 4844273 (VCV004844273.1).